The following is an entry in ClinVar:

ClinVar aggregate classification (germline): Uncertain significance (1 of 4 stars; one submission).

Conditions:
Werner syndrome (WRN). Identifiers: Orphanet 902, MedGen C0043119, MONDO:0010196, OMIM 277700.

Allele frequency attached by ClinVar (database versions not stated): TOPMed below 0.00001.

Submission:

Labcorp Genetics (formerly Invitae), Labcorp
Classification: Uncertain significance for Werner syndrome. Last evaluated: 2025-07-30. Review status: criteria provided, single submitter. Criteria: Invitae Variant Classification Sherloc (09022015). Collection method: clinical testing. Allele origin: germline.
Comment: This sequence change replaces arginine, which is basic and polar, with lysine, which is basic and polar, at codon 1336 of the WRN protein (p.Arg1336Lys). This variant is not present in population databases (gnomAD no frequency). This variant has not been reported in the literature in individuals affected with WRN-related conditions. ClinVar contains an entry for this variant (Variation ID: 1002363). An algorithm developed to predict the effect of missense changes on protein structure and function outputs the following: PolyPhen-2: "Possibly Damaging". The lysine amino acid residue is found in multiple mammalian species, which suggests that this missense change does not adversely affect protein function. In summary, the available evidence is currently insufficient to determine the role of this variant in disease. Therefore, it has been classified as a Variant of Uncertain Significance.

NM_000553.6(WRN):c.4007G>A (p.Arg1336Lys)

Gene: WRN (WRN RecQ like helicase; plus strand). Cytogenetic location: 8p12.
Variant type: single nucleotide variant.
Coding change: c.4007G>A on transcript NM_000553.6 (MANE Select); coding-DNA position 4007, G replaced by A.
Protein change: p.Arg1336Lys; replaces arginine 1336 with lysine.
Molecular consequence: missense variant.
Genome position (GRCh38, 1-based): chr8:31,167,046, G>A. VCF-style: chr8-31167046-G-A. GRCh37 (hg19) VCF-style: chr8-31024562-G-A.
Other names: short protein forms R1336K.
Identifiers: ClinVar variation 1002363 (VCV001002363.3), dbSNP rs1199403170, ClinGen allele CA370908575.